The following is an entry in ClinVar:

NC_000016.10:g.(89752223_89758576)_(89773385_89775741)del

Gene: FANCA (FA complementation group A; minus strand). Cytogenetic location: 16q24.3.
Variant type: Deletion.
Identifiers: ClinVar variation 974136 (VCV000974136.1).

ClinVar aggregate classification (germline): Pathogenic (0 of 4 stars; one submission).

Conditions:
Fanconi anemia complementation group A (FANCA). Also called: Fanconi anemia, group A; FANCA-Related Fanconi Anemia. Identifiers: Orphanet 84, MedGen C3469521, MONDO:0009215, OMIM 227650.

Submission:

Leiden Open Variation Database
Classification: Pathogenic for Fanconi anemia complementation group A. Last evaluated: 2020-02-28. Review status: no assertion criteria provided. Collection method: curation. Allele origin: germline. Affected: yes.
Comment: Curator: Arleen D. Auerbach. Submitter to LOVD: Arleen D. Auerbach.